The following is an entry in ClinVar:

ClinVar aggregate classification (germline): Uncertain significance (1 of 4 stars; one submission).

Submission:

GeneDx
Classification: Uncertain significance. Last evaluated: 2026-02-07. Review status: criteria provided, single submitter. Criteria: GeneDx Variant Classification Process June 2021. Collection method: clinical testing. Allele origin: germline.
Comment: Not observed at significant frequency in large population cohorts (gnomAD); In silico analysis suggests that this missense variant does not alter protein structure/function; Has not been previously published as pathogenic or benign to our knowledge

NM_001353694.2(TIAM1):c.2617C>A (p.Leu873Met)

Gene: TIAM1 (TIAM Rac1 associated GEF 1; minus strand). Cytogenetic location: 21q22.11.
Variant type: single nucleotide variant.
Coding change: c.2617C>A on transcript NM_001353694.2 (MANE Select); coding-DNA position 2617, C replaced by A.
Protein change: p.Leu873Met; replaces leucine 873 with methionine.
Molecular consequence: missense variant.
Genome position (GRCh38, 1-based): chr21:31,187,046, G>T on the plus strand (C>A on the coding strand, the complement: TIAM1 is on the minus strand). VCF-style: chr21-31187046-G-T. GRCh37 (hg19) VCF-style: chr21-32559362-G-T.
Other names: c.2617C>A, p.Leu873Met (NM_001353686.2, NM_001353688.1, NM_001353689.1 and 5 more transcripts); c.2542C>A, p.Leu848Met (NM_001353687.2); short protein forms L848M, L873M.
Identifiers: ClinVar variation 4976242 (VCV004976242.1).